The following is an entry in ClinVar:

ClinVar aggregate classification (germline): Pathogenic (1 of 4 stars; one submission).

Submission:

Labcorp Genetics (formerly Invitae), Labcorp
Classification: Pathogenic. Last evaluated: 2024-04-17. Review status: criteria provided, single submitter. Criteria: Invitae Variant Classification Sherloc (09022015). Collection method: clinical testing. Allele origin: germline.
Comment: This sequence change creates a premature translational stop signal (p.Pro3286Leufs*16) in the VPS13C gene. It is expected to result in an absent or disrupted protein product. Loss-of-function variants in VPS13C are known to be pathogenic (PMID: 26942284, 34875562). This variant is not present in population databases (gnomAD no frequency). This variant has not been reported in the literature in individuals affected with VPS13C-related conditions. ClinVar contains an entry for this variant (Variation ID: 2006931). For these reasons, this variant has been classified as Pathogenic.

Literature cited by the submitters: PubMed 26942284; PubMed 34875562.

NM_020821.3(VPS13C):c.9850_9854dup (p.Pro3286fs)

Gene: VPS13C (vacuolar protein sorting 13 homolog C; minus strand). Cytogenetic location: 15q22.2.
Variant type: Duplication.
Coding change: c.9850_9854dup on transcript NM_020821.3 (MANE Select); coding-DNA positions 9850 to 9854, 5 bases duplicated (TTTAC; older notation c.9850_9854dupTTTAC).
Protein change: p.Pro3286fs; shifts the reading frame from proline 3286.
Molecular consequence: frameshift variant.
Genome position (GRCh38, 1-based): chr15:61,880,877-61,880,881, GTAAA duplicated on the plus strand (TTTAC on the coding strand, the reverse complement: VPS13C is on the minus strand). VCF-style (leftmost placement, unchanged base first): chr15-61880876-G-GGTAAA. GRCh37 (hg19) VCF-style: chr15-62173075-G-GGTAAA.
Other names: c.9850_9854dup, p.Pro3286fs (NM_001018088.3); c.9721_9725dup, p.Pro3243fs (NM_017684.5, NM_018080.4); short protein forms P3243fs, P3286fs.
Identifiers: ClinVar variation 2006931 (VCV002006931.4), dbSNP rs2547818083, ClinGen allele CA2580089830.